The following is an entry in ClinVar:

ClinVar aggregate classification (germline): Uncertain significance. Review status: criteria provided, multiple submitters, no conflicts (2 of 4 stars). 2 submissions from 2 submitters: Uncertain significance (2). Last evaluated 2025-10-29.

Conditions:
Severe combined immunodeficiency due to DNA-PKcs deficiency. Also called: IMMUNODEFICIENCY 26 WITH NEUROLOGIC ABNORMALITIES; Immunodeficiency 26 with or without neurologic abnormalities. Identifiers: Orphanet 317425, MedGen C4014833, MONDO:0014423, OMIM 615966.

gnomAD v4.1: 1 of 1,613,742 alleles (0.000062%); highest among the groups gnomAD compares: Non-Finnish European, 0.000085%; no homozygotes.

Submissions (2):

Ambry Genetics
Classification: Uncertain significance. Last evaluated: 2025-10-29. Review status: criteria provided, single submitter. Criteria: Ambry Variant Classification Scheme 2023. Collection method: clinical testing. Allele origin: germline.

Labcorp Genetics (formerly Invitae), Labcorp
Classification: Uncertain significance for Severe combined immunodeficiency due to DNA-PKcs deficiency. Last evaluated: 2024-10-24. Review status: criteria provided, single submitter. Criteria: Invitae Variant Classification Sherloc (09022015). Collection method: clinical testing. Allele origin: germline.
Comment: This sequence change replaces leucine, which is neutral and non-polar, with valine, which is neutral and non-polar, at codon 796 of the PRKDC protein (p.Leu796Val). This variant is not present in population databases (gnomAD no frequency). This variant has not been reported in the literature in individuals affected with PRKDC-related conditions. ClinVar contains an entry for this variant (Variation ID: 1982480). Invitae Evidence Modeling of protein sequence and biophysical properties (such as structural, functional, and spatial information, amino acid conservation, physicochemical variation, residue mobility, and thermodynamic stability) indicates that this missense variant is not expected to disrupt PRKDC protein function with a negative predictive value of 80%. In summary, the available evidence is currently insufficient to determine the role of this variant in disease. Therefore, it has been classified as a Variant of Uncertain Significance.

NM_006904.7(PRKDC):c.2386C>G (p.Leu796Val)

Gene: PRKDC (protein kinase, DNA-activated, catalytic subunit; minus strand). Cytogenetic location: 8q11.21.
Variant type: single nucleotide variant.
Coding change: c.2386C>G on transcript NM_006904.7 (MANE Select); coding-DNA position 2386, C replaced by G.
Protein change: p.Leu796Val; replaces leucine 796 with valine.
Molecular consequence: missense variant.
Genome position (GRCh38, 1-based): chr8:47,927,227, G>C on the plus strand (C>G on the coding strand, the complement: PRKDC is on the minus strand). VCF-style: chr8-47927227-G-C. GRCh37 (hg19) VCF-style: chr8-48839787-G-C.
Other names: c.2386C>G, p.Leu796Val (NM_001081640.2); short protein forms L796V.
Identifiers: ClinVar variation 1982480 (VCV001982480.7), dbSNP rs2551878123, ClinGen allele CA371161704.